The following is an entry in ClinVar:

NM_205861.3(DHDDS):c.713G>A (p.Trp238Ter)

Gene: DHDDS (dehydrodolichyl diphosphate synthase subunit; plus strand). Cytogenetic location: 1p36.11.
Variant type: single nucleotide variant.
Coding change: c.713G>A on transcript NM_205861.3 (MANE Select); coding-DNA position 713, G replaced by A.
Protein change: p.Trp238Ter; replaces tryptophan 238 with a stop codon.
Molecular consequence: nonsense.
Genome position (GRCh38, 1-based): chr1:26,460,092, G>A. VCF-style: chr1-26460092-G-A. GRCh37 (hg19) VCF-style: chr1-26786583-G-A.
Other names: c.611G>A, p.Trp204Ter (NM_001243564.2); c.596G>A, p.Trp199Ter (NM_001243565.2); c.434G>A, p.Trp145Ter (NM_001319959.2); c.713G>A, p.Trp238Ter (NM_024887.4); short protein forms W145*, W199*, W204*, W238*.
Identifiers: ClinVar variation 3602304 (VCV003602304.1).

ClinVar aggregate classification (germline): Uncertain significance (1 of 4 stars; one submission).

Submission:

GeneDx
Classification: Uncertain significance. Last evaluated: 2024-08-01. Review status: criteria provided, single submitter. Criteria: GeneDx Variant Classification Process June 2021. Collection method: clinical testing. Allele origin: germline. Affected: yes.
Comment: Nonsense variant predicted to result in protein truncation as the last 97 amino acids are lost, although loss-of-function variants have not been reported downstream of this position in the protein; Not observed at significant frequency in large population cohorts (gnomAD); Has not been previously published as pathogenic or benign to our knowledge